The following is an entry in ClinVar:

ClinVar aggregate classification (germline): Uncertain significance (1 of 4 stars; one submission).

Conditions:
Alagille syndrome due to a JAG1 point mutation. Also called: Alagille Syndrome 1; HEPATIC DUCTULAR HYPOPLASIA, SYNDROMATIC; JAG1-Related Alagille Syndrome. Identifiers: Orphanet 261619, Orphanet 52, MedGen C1956125, MONDO:0016862, OMIM 118450.

Submission:

3billion
Classification: Uncertain significance for Alagille syndrome due to a JAG1 point mutation. Last evaluated: 2022-03-22. Review status: criteria provided, single submitter. Criteria: ACMG Guidelines, 2015. Collection method: clinical testing. Allele origin: germline. Affected: yes. Observed: 1 heterozygote.
Comment: Different pathogenic/likely pathogenic amino acid change has been reported with supporting evidence at the same codon (PMID:28695677,21752016). In silico tool predictions suggest damaging effect of the variant on gene or gene product (REVEL: 0.914>=0.6). It is not observed in the gnomAD v2.1.1 dataset. Therefore, this variant is classified as uncertain significance according to the recommendation of ACMG/AMP guideline.

Literature cited by the submitters: PubMed 28695677; PubMed 21752016; PubMed 12497640.

NM_000214.3(JAG1):c.224T>C (p.Phe75Ser)

Gene: JAG1 (jagged canonical Notch ligand 1; minus strand). Cytogenetic location: 20p12.2.
Variant type: single nucleotide variant.
Coding change: c.224T>C on transcript NM_000214.3 (MANE Select); coding-DNA position 224, T replaced by C.
Protein change: p.Phe75Ser; replaces phenylalanine 75 with serine.
Molecular consequence: missense variant.
Genome position (GRCh38, 1-based): chr20:10,672,864, A>G on the plus strand (T>C on the coding strand, the complement: JAG1 is on the minus strand). VCF-style: chr20-10672864-A-G. GRCh37 (hg19) VCF-style: chr20-10653512-A-G.
Other names: short protein forms F75S.
Identifiers: ClinVar variation 1526022 (VCV001526022.1), dbSNP rs2122644646, ClinGen allele CA408243210.
Genomic context (GRCh38, chr20:10,672,864, plus strand): 5'-CCGAAGCTGCAGGGCCCCCCGGCCGTGACGCGGGACTGATACTCCTTGAGGCACACTTTG[A>G]AGTATGTGTCACACTCGTCGCGGGTGCACTTGCGGTCTCCCGGGTTCCGGGCGCCGCCGC-3'
Protein context (NP_000205.1, residues 65-85): KCTRDECDTY[Phe75Ser]KVCLKEYQSR